The following is an entry in ClinVar:

ClinVar aggregate classification (germline): Uncertain significance (1 of 4 stars; one submission).

Conditions:
Hereditary cancer-predisposing syndrome. Also called: Neoplastic Syndromes, Hereditary; Tumor predisposition; Hereditary Cancer Syndrome; Hereditary neoplastic syndrome. Identifiers: Orphanet 140162, MedGen C0027672, MeSH D009386, MONDO:0015356.

Submission:

Color Diagnostics, LLC DBA Color Health
Classification: Uncertain significance for Hereditary cancer-predisposing syndrome. Last evaluated: 2023-12-05. Review status: criteria provided, single submitter. Criteria: ACMG Guidelines, 2015. Collection method: clinical testing. Allele origin: germline.
Comment: This missense variant replaces phenylalanine with leucine at codon 366 of the STK11 protein. Computational prediction suggests that this variant may not impact protein structure and function (internally defined REVEL score threshold <= 0.5, PMID: 27666373). To our knowledge, functional studies have not been reported for this variant. This variant has not been reported in individuals affected with STK11-related disorders in the literature. This variant has not been identified in the general population by the Genome Aggregation Database (gnomAD). The available evidence is insufficient to determine the role of this variant in disease conclusively. Therefore, this variant is classified as a Variant of Uncertain Significance.

NM_000455.5(STK11):c.1098C>G (p.Phe366Leu)

Genes: STK11 (serine/threonine kinase 11; plus strand), LOC130062899 (ATAC-STARR-seq lymphoblastoid active region 13597; plus strand). Cytogenetic location: 19p13.3.
Variant type: single nucleotide variant.
Coding change: c.1098C>G on transcript NM_000455.5 (MANE Select); coding-DNA position 1098, C replaced by G.
Protein change: p.Phe366Leu; replaces phenylalanine 366 with leucine.
Molecular consequence: missense variant.
Genome position (GRCh38, 1-based): chr19:1,223,162, C>G. VCF-style: chr19-1223162-C-G. GRCh37 (hg19) VCF-style: chr19-1223161-C-G.
Other names: short protein forms F366L.
Identifiers: ClinVar variation 923290 (VCV000923290.4), dbSNP rs2080798043, ClinGen allele CA402951967.